The following is an entry in ClinVar:

ClinVar aggregate classification (germline): Pathogenic/Likely pathogenic. Review status: criteria provided, multiple submitters, no conflicts (2 of 4 stars). 6 submissions from 6 submitters: Pathogenic (2); Likely pathogenic (1). 3 of the submissions do not count toward it. Last evaluated 2024-06-04.

Conditions:
Intellectual developmental disorder, X-linked, syndromic, Turner type. Also called: X-linked intellectual disability, Turner type; Intellectual disability, X-linked syndromic, Turner type. Identifiers: Orphanet 3056, Orphanet 85328, MedGen C2678046, MONDO:0010407, OMIM 309590.
HUWE1-related disorder. Also called: HUWE1-related condition.

Submissions (6):

GeneDx
Classification: Pathogenic. Last evaluated: 2024-06-04. Review status: criteria provided, single submitter. Criteria: GeneDx Variant Classification Process June 2021. Collection method: clinical testing. Allele origin: germline. Affected: yes.
Comment: Not observed at significant frequency in large population cohorts (gnomAD); In silico analysis supports that this missense variant has a deleterious effect on protein structure/function; This variant is associated with the following publications: (PMID: 29180823, 37583270)

Labcorp Genetics (formerly Invitae), Labcorp
Classification: Pathogenic. Last evaluated: 2019-05-13. Review status: criteria provided, single submitter. Criteria: Invitae Variant Classification Sherloc (09022015). Collection method: clinical testing. Allele origin: germline.
Comment: For these reasons, this variant has been classified as Pathogenic. This sequence change replaces arginine with histidine at codon 3070 of the HUWE1 protein (p.Arg3070His). The arginine residue is highly conserved and there is a small physicochemical difference between arginine and histidine. This variant is not present in population databases (ExAC no frequency). Algorithms developed to predict the effect of missense changes on protein structure and function are either unavailable or do not agree on the potential impact of this missense change (SIFT: "Deleterious"; PolyPhen-2: "Possibly Damaging"; Align-GVGD: "Class C0"). This variant disrupts the p.Arg3070 amino acid residue in HUWE1. Other variant(s) that disrupt this residue have been determined to be pathogenic (PMID: 29180823, Invitae). This suggests that this residue is clinically significant, and that variants that disrupt this residue are likely to be disease-causing.

Juno Genomics, Hangzhou Juno Genomics, Inc
Classification: Likely pathogenic for Intellectual developmental disorder, X-linked, syndromic, Turner type. Review status: criteria provided, single submitter. Criteria: ACMG Guidelines, 2015. Collection method: clinical testing. Allele origin: germline. Affected: yes.
Comment: Absent from controls (or at extremely low frequency if recessive) in Genome Aggregation Database.;Multiple lines of computational evidence support a deleterious effect on the gene or gene product.;The prevalence of the variant in affected individuals is significantly increased compared to the prevalence in controls.;De novo (both maternity and paternity confirmed) in a patient with the disease and no family history.;Novel missense change at an amino acid residue where a different missense change determined to be pathogenic has been seen before.

PreventionGenetics, part of Exact Sciences
Classification: Pathogenic for HUWE1-related condition. Last evaluated: 2024-05-21. Review status: no assertion criteria provided. Collection method: clinical testing. Allele origin: germline. Not counted in ClinVar's aggregate classification.
Comment: The HUWE1 c.9209G>A variant is predicted to result in the amino acid substitution p.Arg3070His. This variant was reported in an individual with infantile epileptic spasms syndrome (Nagarajan et al. 2023. PubMed ID: 37583270). This variant has not been reported in a large population database, indicating this variant is rare. In ClinVar, this variant is interpreted as pathogenic by multiple labs, and has been reported as a de novo finding. An alternate missense change at the same amino acid has also been reported as a recurrent de novo pathogenic finding (Moortgat et al. 2018. PubMed ID: 29180823). This variant is interpreted as pathogenic.

Clinical Genetics Laboratory, University Hospital Schleswig-Holstein
Classification: Pathogenic for Intellectual developmental disorder, X-linked, syndromic, Turner type. Last evaluated: 2023-12-12. Review status: no assertion criteria provided. Collection method: clinical testing. Allele origin: de novo. Affected: yes. Not counted in ClinVar's aggregate classification.

Solve-RD Consortium
Classification: Likely pathogenic for Intellectual developmental disorder, X-linked, syndromic, Turner type. Last evaluated: 2022-06-01. Review status: no assertion criteria provided. Collection method: provider interpretation. Allele origin: inherited. Affected: yes. Not counted in ClinVar's aggregate classification.
Comment: Variant confirmed as disease-causing by referring clinical team

Variant identified during reanalysis of unsolved cases by the Solve-RD project. The Solve-RD project has received funding from the European Union’s Horizon 2020 research and innovation programme under grant agreement No 779257.

Literature cited by the submitters: PubMed 29180823 (cited by Labcorp Genetics (formerly Invitae), Labcorp); PubMed 39825153 (cited by Solve-RD Consortium).

NM_031407.7(HUWE1):c.9209G>A (p.Arg3070His)

Gene: HUWE1 (HECT, UBA and WWE domain containing E3 ubiquitin protein ligase 1; minus strand). Cytogenetic location: Xp11.22.
Variant type: single nucleotide variant.
Coding change: c.9209G>A on transcript NM_031407.7 (MANE Select); coding-DNA position 9209, G replaced by A.
Protein change: p.Arg3070His; replaces arginine 3070 with histidine.
Molecular consequence: missense variant.
Genome position (GRCh38, 1-based): chrX:53,551,077, C>T on the plus strand (G>A on the coding strand, the complement: HUWE1 is on the minus strand). VCF-style: chrX-53551077-C-T. GRCh37 (hg19) VCF-style: chrX-53578038-C-T.
Other names: c.9209G>A (NM_031407.4); short protein forms R3070H.
Identifiers: ClinVar variation 841299 (VCV000841299.19), dbSNP rs2061745581, ClinGen allele CA413141932.